The following is an entry in ClinVar:

NM_003742.4(ABCB11):c.156G>A (p.Arg52=)

Gene: ABCB11 (ATP binding cassette subfamily B member 11; minus strand). Cytogenetic location: 2q31.1.
Variant type: single nucleotide variant.
Coding change: c.156G>A on transcript NM_003742.4 (MANE Select); coding-DNA position 156, G replaced by A.
Protein change: p.Arg52=; no amino-acid change (arginine 52 retained).
Molecular consequence: synonymous variant.
Genome position (GRCh38, 1-based): chr2:169,013,505, C>T on the plus strand (G>A on the coding strand, the complement: ABCB11 is on the minus strand). VCF-style: chr2-169013505-C-T. GRCh37 (hg19) VCF-style: chr2-169870015-C-T.
Other names: c.156G>A, p.Arg52= (LRG_1199t1).
Identifiers: ClinVar variation 289813 (VCV000289813.19), dbSNP rs140587295, ClinGen allele CA1951949.

ClinVar aggregate classification (germline): Conflicting classifications of pathogenicity. Review status: criteria provided, conflicting classifications (1 of 4 stars). 4 submissions from 4 submitters: Uncertain significance (1); Benign (1); Likely benign (1). 1 of the submissions does not count toward it. Last evaluated 2026-04-14.

Conditions:
Familial intrahepatic cholestasis. Identifiers: Orphanet 284385, MedGen CN296401, MONDO:0017290.
Progressive familial intrahepatic cholestasis type 2. Identifiers: Orphanet 79304, MedGen C3489789, MONDO:0011156, OMIM 601847.

Allele frequency attached by ClinVar (database versions not stated): 1000 Genomes Project 0.00060; ESP Exome Variant Server 0.00075; 1000 Genomes Project 30x 0.00094; gnomAD 0.00131 and 0.00145; TOPMed 0.00180.
gnomAD v4.1: 377 of 1,612,452 alleles (0.023%); highest among the groups gnomAD compares: African/African-American, 0.34%; 5 homozygotes.

Submissions (4):

Genomenon, Inc
Classification: Likely benign for Familial intrahepatic cholestasis. Last evaluated: 2026-04-14. Review status: criteria provided, single submitter. Criteria: Genomenon Sequence Variant Interpretation Standards - Updated. Collection method: curation. Allele origin: germline. Affected: no.
Comment: ABCB11 c.156G>A is a synonymous variant that retains Arginine at residue 52. This variant has been reported in the published literature (PMID:16763017;22795478). This synonymous variant is not predicted to impact splicing. This variant's allele frequency in gnomAD is greater than expected for this disorder. In conclusion, we classify ABCB11 p.Arg52= (c.156G>A) as a likely benign variant.

Labcorp Genetics (formerly Invitae), Labcorp
Classification: Benign. Last evaluated: 2026-01-27. Review status: criteria provided, single submitter. Criteria: Invitae Variant Classification Sherloc (09022015). Collection method: clinical testing. Allele origin: germline.

Eurofins Ntd Llc (ga)
Classification: Uncertain significance. Last evaluated: 2018-01-12. Review status: criteria provided, single submitter. Criteria: EGL Classification Definitions 2015. Collection method: clinical testing. Allele origin: germline. Observed: 6 variant alleles, 6 heterozygotes.

Natera, Inc.
Classification: Likely benign for Progressive familial intrahepatic cholestasis type 2. Last evaluated: 2020-01-02. Review status: no assertion criteria provided. Collection method: clinical testing. Allele origin: germline. Not counted in ClinVar's aggregate classification.

Literature cited by the submitters: PubMed 16763017 (cited by Genomenon, Inc); PubMed 22795478 (cited by Genomenon, Inc).